The following is an entry in ClinVar:

ClinVar aggregate classification (germline): Likely pathogenic (0 of 4 stars; one submission).

Conditions:
WFS1-related disorder. Identifiers: MedGen CN379391, MONDO:0700293.

Submission:

PreventionGenetics, part of Exact Sciences
Classification: Likely pathogenic for WFS1-related condition. Last evaluated: 2024-03-20. Review status: no assertion criteria provided. Collection method: clinical testing. Allele origin: germline.
Comment: The WFS1 c.1536_1549dup14 variant is predicted to result in a frameshift and premature protein termination (p.Arg517Profs*10). To our knowledge, this variant has not been reported in the literature or in a large population database, indicating this variant is rare. Frameshift variants in WFS1 are expected to be pathogenic. This variant is interpreted as likely pathogenic.

NM_006005.3(WFS1):c.1536_1549dup (p.Arg517fs)

Gene: WFS1 (wolframin ER transmembrane glycoprotein; plus strand). Cytogenetic location: 4p16.1.
Variant type: Duplication.
Coding change: c.1536_1549dup on transcript NM_006005.3 (MANE Select); coding-DNA positions 1536 to 1549, 14 bases duplicated (CTATCTCTTCTTCC).
Protein change: p.Arg517fs; shifts the reading frame from arginine 517.
Molecular consequence: frameshift variant.
Genome position (GRCh38, 1-based): chr4:6,301,331-6,301,344, CTATCTCTTCTTCC duplicated. VCF-style (leftmost placement, unchanged base first): chr4-6301330-T-TCTATCTCTTCTTCC. GRCh37 (hg19) VCF-style: chr4-6303057-T-TCTATCTCTTCTTCC.
Other names: c.1536_1549dup, p.Arg517fs (NM_001145853.1); c.1536_1549dup14 (NM_006005.3); short protein forms R517fs.
Identifiers: ClinVar variation 2631364 (VCV002631364.3), dbSNP rs2474194177, ClinGen allele CA2695199363.